The following is an entry in ClinVar:

NM_020117.11(LARS1):c.206A>C (p.Lys69Thr)

Gene: LARS1 (leucyl-tRNA synthetase 1; minus strand). Cytogenetic location: 5q32.
Variant type: single nucleotide variant.
Coding change: c.206A>C on transcript NM_020117.11 (MANE Select); coding-DNA position 206, A replaced by C.
Protein change: p.Lys69Thr; replaces lysine 69 with threonine.
Molecular consequence: missense variant.
Genome position (GRCh38, 1-based): chr5:146,172,694, T>G on the plus strand (A>C on the coding strand, the complement: LARS1 is on the minus strand). VCF-style: chr5-146172694-T-G. GRCh37 (hg19) VCF-style: chr5-145552257-T-G.
Other names: c.206A>C, p.Lys69Thr (NM_001317964.2, NM_016460.4); c.44A>C, p.Lys15Thr (NM_001317965.2); short protein forms K15T, K69T.
Identifiers: ClinVar variation 1680398 (VCV001680398.8), dbSNP rs749031186, ClinGen allele CA3490010.
Genomic context (GRCh38, chr5:146,172,694, plus strand): 5'-AATATTCGTTAAAAACCTTCCTCCCCATTATAGCAAACATAGGGAAACATTACCTCACAT[T>G]TGGATAAAGAAAACGTGTGTCCCAAATGAAGGCGTCCATTCATATATGGATATGGGAAGG-3'
Protein context (NP_064502.9, residues 59-79): LHLGHTFSLS[Lys69Thr]CEFAVGYQRL

ClinVar aggregate classification (germline): Uncertain significance (1 of 4 stars; one submission).

Allele frequency attached by ClinVar (database versions not stated): gnomAD exomes 0.00001; ExAC 0.00002.
gnomAD v4.1: 7 of 1,563,826 alleles (0.00045%); highest among the groups gnomAD compares: South Asian, 0.0083%; no homozygotes.

Submission:

Labcorp Genetics (formerly Invitae), Labcorp
Classification: Uncertain significance. Last evaluated: 2021-06-15. Review status: criteria provided, single submitter. Criteria: Invitae Variant Classification Sherloc (09022015). Collection method: clinical testing. Allele origin: germline.
Comment: In summary, the available evidence is currently insufficient to determine the role of this variant in disease. Therefore, it has been classified as a Variant of Uncertain Significance. Algorithms developed to predict the effect of missense changes on protein structure and function are either unavailable or do not agree on the potential impact of this missense change (SIFT: "Not Available"; PolyPhen-2: "Benign"; Align-GVGD: "Not Available"). This variant has not been reported in the literature in individuals with LARS-related conditions. This variant is present in population databases (rs749031186, ExAC 0.02%). This sequence change replaces lysine with threonine at codon 69 of the LARS protein (p.Lys69Thr). There is a moderate physicochemical difference between lysine and threonine.